The following is an entry in ClinVar:

NM_000204.5(CFI):c.1571A>T (p.Asp524Val)

Gene: CFI (complement factor I; minus strand). Cytogenetic location: 4q25.
Variant type: single nucleotide variant.
Coding change: c.1571A>T on transcript NM_000204.5 (MANE Select); coding-DNA position 1571, A replaced by T.
Protein change: p.Asp524Val; replaces aspartic acid 524 with valine.
Molecular consequence: missense variant. On other transcripts: non-coding transcript variant (3), intron variant (5).
Genome position (GRCh38, 1-based): chr4:109,741,074, T>A on the plus strand (A>T on the coding strand, the complement: CFI is on the minus strand). VCF-style: chr4-109741074-T-A. GRCh37 (hg19) VCF-style: chr4-110662230-T-A.
Other names: D506V; c.1595A>T, p.Asp532Val (NM_001318057.2); c.1550A>T, p.Asp517Val (NM_001331035.2); c.1514A>T, p.Asp505Val (NM_001375283.1); c.962A>T, p.Asp321Val (NM_001375284.1); c.1513+1417A>T (NM_001375282.1, NM_001375280.1); c.1534+1417A>T (NM_001375281.1, NM_001375279.1); c.1558+1417A>T (NM_001375278.1); short protein forms D524V, D517V, D532V, D321V, D505V.
Identifiers: ClinVar variation 12122 (VCV000012122.3), dbSNP rs121964914, ClinGen allele CA256214.

ClinVar aggregate classification (germline): Pathogenic. Review status: criteria provided, single submitter (1 of 4 stars). 2 submissions from 2 submitters: Pathogenic (1). 1 of the submissions does not count toward it. Last evaluated 2025-09-26.

Conditions:
CFI-related disorder. Also called: CFI-related condition; CFI-related disorders. Identifiers: MedGen CN239325.
Atypical hemolytic-uremic syndrome with I factor anomaly. Also called: HEMOLYTIC UREMIC SYNDROME, ATYPICAL, SUSCEPTIBILITY TO, 3; AHUS, SUSCEPTIBILITY TO, 3. Identifiers: Orphanet 2134, MedGen C2752039, MONDO:0013041, OMIM 612923.

Submissions (2):

Genomenon, Inc
Classification: Pathogenic for CFI-related disorder. Last evaluated: 2025-09-26. Review status: criteria provided, single submitter. Criteria: Genomenon Sequence Variant Interpretation Standards - Updated. Collection method: curation. Allele origin: germline. Affected: yes.
Comment: CFI p.Asp524Val (c.1571A>T) is a missense variant that changes the amino acid at residue 524 from Aspartic acid to Valine. This variant has been observed in at least one proband affected with a CFI-related disorder (PMID:23307876;15173250;23431077;20016463;24142231;32853637). It has been observed in trans with a pathogenic/likely pathogenic variant (PMID:24142231). At least one functional study has demonstrated a substantial alteration in protein function relative to the wild-type (PMID:32510551;17597211;20016463). The variant is located in a mutational hotspot. It is absent or not present at a significant frequency in gnomAD. In silico models agree that this variant is possibly or probably damaging. In conclusion, we classify CFI p.Asp524Val (c.1571A>T) as a pathogenic variant.

OMIM
Classification: risk factor for HEMOLYTIC UREMIC SYNDROME, ATYPICAL, SUSCEPTIBILITY TO, 3. Last evaluated: 2004-06-01. Review status: no assertion criteria provided. Collection method: literature only. Allele origin: germline. Not counted in ClinVar's aggregate classification.

Literature cited by the submitters: PubMed 23307876 (cited by Genomenon, Inc); 15173250 (cited by Genomenon, Inc); 23431077 (cited by Genomenon, Inc); 20016463 (cited by Genomenon, Inc); 24142231 (cited by Genomenon, Inc); 32853637 (cited by Genomenon, Inc); 32510551 (cited by Genomenon, Inc); 17597211 (cited by Genomenon, Inc); PubMed 15173250 (cited by OMIM).